The following is an entry in ClinVar:

ClinVar aggregate classification (germline): Uncertain significance. Review status: criteria provided, multiple submitters, no conflicts (2 of 4 stars). 2 submissions from 2 submitters: Uncertain significance (2). Last evaluated 2025-09-01.

Conditions:
Colorectal cancer, hereditary nonpolyposis, type 7. Identifiers: Orphanet 144, MedGen C1858380, MONDO:0013725, OMIM 614385.

Submissions (2):

Labcorp Genetics (formerly Invitae), Labcorp
Classification: Uncertain significance for Colorectal cancer, hereditary nonpolyposis, type 7. Last evaluated: 2025-09-01. Review status: criteria provided, single submitter. Criteria: Invitae Variant Classification Sherloc (09022015). Collection method: clinical testing. Allele origin: germline.
Comment: This sequence change replaces isoleucine, which is neutral and non-polar, with phenylalanine, which is neutral and non-polar, at codon 734 of the MLH3 protein (p.Ile734Phe). This variant is not present in population databases (gnomAD no frequency). This variant has not been reported in the literature in individuals affected with MLH3-related conditions. ClinVar contains an entry for this variant (Variation ID: 1787626). An algorithm developed to predict the effect of missense changes on protein structure and function (PolyPhen-2) suggests that this variant is likely to be tolerated. In summary, the available evidence is currently insufficient to determine the role of this variant in disease. Therefore, it has been classified as a Variant of Uncertain Significance.

Ambry Genetics
Classification: Uncertain significance. Last evaluated: 2021-12-11. Review status: criteria provided, single submitter. Criteria: Ambry Variant Classification Scheme 2023. Collection method: clinical testing. Allele origin: germline.
Comment: The p.I734F variant (also known as c.2200A>T), located in coding exon 1 of the MLH3 gene, results from an A to T substitution at nucleotide position 2200. The isoleucine at codon 734 is replaced by phenylalanine, an amino acid with highly similar properties. This amino acid position is conserved. In addition, this alteration is predicted to be tolerated by in silico analysis. Since supporting evidence is limited at this time, the clinical significance of this alteration remains unclear.

NM_001040108.2(MLH3):c.2200A>T (p.Ile734Phe)

Gene: MLH3 (mutL homolog 3; minus strand). Cytogenetic location: 14q24.3.
Variant type: single nucleotide variant.
Coding change: c.2200A>T on transcript NM_001040108.2 (MANE Select); coding-DNA position 2200, A replaced by T.
Protein change: p.Ile734Phe; replaces isoleucine 734 with phenylalanine.
Molecular consequence: missense variant.
Genome position (GRCh38, 1-based): chr14:75,047,456, T>A on the plus strand (A>T on the coding strand, the complement: MLH3 is on the minus strand). VCF-style: chr14-75047456-T-A. GRCh37 (hg19) VCF-style: chr14-75514159-T-A.
Other names: c.2200A>T, p.Ile734Phe (NM_014381.3); short protein forms I734F.
Identifiers: ClinVar variation 1787626 (VCV001787626.3), dbSNP rs2503275927, ClinGen allele CA390441222.